The following is an entry in ClinVar:

NM_004006.3(DMD):c.10604G>T (p.Gly3535Val)

Gene: DMD (dystrophin; minus strand). Cytogenetic location: Xp21.2.
Variant type: single nucleotide variant.
Coding change: c.10604G>T on transcript NM_004006.3 (MANE Select); coding-DNA position 10604, G replaced by T.
Protein change: p.Gly3535Val; replaces glycine 3535 with valine.
Molecular consequence: missense variant.
Genome position (GRCh38, 1-based): chrX:31,147,468, C>A on the plus strand (G>T on the coding strand, the complement: DMD is on the minus strand). VCF-style: chrX-31147468-C-A. GRCh37 (hg19) VCF-style: chrX-31165585-C-A.
Other names: c.10580G>T, p.Gly3527Val (NM_000109.4); c.10592G>T, p.Gly3531Val (NM_004009.3); c.10235G>T, p.Gly3412Val (NM_004010.3); c.6581G>T, p.Gly2194Val (NM_004011.4); c.6572G>T, p.Gly2191Val (NM_004012.4); c.3224G>T, p.Gly1075Val (NM_004013.3, NM_004021.3); c.2417G>T, p.Gly806Val (NM_004014.3); c.1400G>T, p.Gly467Val (NM_004015.3, NM_004016.3); and 3 more; short protein forms G3535V, G1075V, G2194V, G3531V, G454V, G806V, G965V, G1062V.
Identifiers: ClinVar variation 547069 (VCV000547069.8), dbSNP rs1555998259, ClinGen allele CA412649501.

ClinVar aggregate classification (germline): Uncertain significance. Review status: criteria provided, multiple submitters, no conflicts (2 of 4 stars). 2 submissions from 2 submitters: Uncertain significance (2). Last evaluated 2022-06-08.

Conditions:
Duchenne muscular dystrophy (DMD). Also called: Duchenne Muscular Dystrophy (DMD); MUSCULAR DYSTROPHY, PSEUDOHYPERTROPHIC PROGRESSIVE, DUCHENNE TYPE. Identifiers: Orphanet 98896, MedGen C0013264, MONDO:0010679, OMIM 310200.

Submissions (2):

Labcorp Genetics (formerly Invitae), Labcorp
Classification: Uncertain significance for Duchenne muscular dystrophy. Last evaluated: 2022-06-08. Review status: criteria provided, single submitter. Criteria: Invitae Variant Classification Sherloc (09022015). Collection method: clinical testing. Allele origin: germline.
Comment: In summary, the available evidence is currently insufficient to determine the role of this variant in disease. Therefore, it has been classified as a Variant of Uncertain Significance. This variant is not present in population databases (gnomAD no frequency). This variant has not been reported in the literature in individuals affected with DMD-related conditions. ClinVar contains an entry for this variant (Variation ID: 547069). Algorithms developed to predict the effect of missense changes on protein structure and function (SIFT, PolyPhen-2, Align-GVGD) all suggest that this variant is likely to be disruptive. This sequence change replaces glycine, which is neutral and non-polar, with valine, which is neutral and non-polar, at codon 3535 of the DMD protein (p.Gly3535Val).

CeGaT Center for Human Genetics Tuebingen
Classification: Uncertain significance. Last evaluated: 2018-03-31. Review status: criteria provided, single submitter. Criteria: Praxis fuer Humangenetik Tuebingen - Variant Classification Criteria. Collection method: clinical testing. Allele origin: germline. Affected: yes. Observed: 1 variant allele.